The following is an entry in ClinVar:

ClinVar aggregate classification (germline): Uncertain significance (1 of 4 stars; one submission).

Conditions:
Hereditary diffuse gastric adenocarcinoma (HDGC). Also called: DIFFUSE GASTRIC AND LOBULAR BREAST CANCER SYNDROME. Identifiers: Orphanet 26106, MedGen C1708349, MONDO:0007648, OMIM 137215.

Submission:

Labcorp Genetics (formerly Invitae), Labcorp
Classification: Uncertain significance for Hereditary diffuse gastric adenocarcinoma. Last evaluated: 2021-10-25. Review status: criteria provided, single submitter. Criteria: Invitae Variant Classification Sherloc (09022015). Collection method: clinical testing. Allele origin: germline.
Comment: This sequence change replaces aspartic acid with glycine at codon 882 of the CDH1 protein (p.Asp882Gly). The aspartic acid residue is moderately conserved and there is a moderate physicochemical difference between aspartic acid and glycine. This variant is not present in population databases (ExAC no frequency). This variant has not been reported in the literature in individuals affected with CDH1-related conditions. Algorithms developed to predict the effect of missense changes on protein structure and function are either unavailable or do not agree on the potential impact of this missense change (SIFT: "Deleterious"; PolyPhen-2: "Probably Damaging"; Align-GVGD: "Class C0"). In summary, the available evidence is currently insufficient to determine the role of this variant in disease. Therefore, it has been classified as a Variant of Uncertain Significance.

NM_004360.5(CDH1):c.2645A>G (p.Asp882Gly)

Gene: CDH1 (cadherin 1; plus strand). Cytogenetic location: 16q22.1.
Variant type: single nucleotide variant.
Coding change: c.2645A>G on transcript NM_004360.5 (MANE Select); coding-DNA position 2645, A replaced by G.
Protein change: p.Asp882Gly; replaces aspartic acid 882 with glycine.
Molecular consequence: missense variant.
Genome position (GRCh38, 1-based): chr16:68,833,495, A>G. VCF-style: chr16-68833495-A-G. GRCh37 (hg19) VCF-style: chr16-68867398-A-G.
Other names: c.2462A>G, p.Asp821Gly (NM_001317184.2); c.1097A>G, p.Asp366Gly (NM_001317185.2); c.680A>G, p.Asp227Gly (NM_001317186.2); short protein forms D366G, D882G, D227G, D821G.
Identifiers: ClinVar variation 1389369 (VCV001389369.6), dbSNP rs1961548324, ClinGen allele CA396472952.